The following is an entry in ClinVar:

ClinVar aggregate classification (germline): Uncertain significance. Review status: criteria provided, multiple submitters, no conflicts (2 of 4 stars). 2 submissions from 2 submitters: Uncertain significance (2). Last evaluated 2023-11-22.

Conditions:
Hereditary pheochromocytoma and paraganglioma. Also called: Hereditary paragangliomas and pheochromocytomas; Hereditary Paraganglioma-Pheochromocytoma Syndromes; Hereditary pheochromocytoma-paraganglioma. Identifiers: Orphanet 29072, MedGen C4274332, MONDO:0017366.
Hereditary cancer-predisposing syndrome. Also called: Tumor predisposition; Hereditary Cancer Syndrome; Hereditary neoplastic syndrome; Neoplastic Syndromes, Hereditary. Identifiers: Orphanet 140162, MedGen C0027672, MeSH D009386, MONDO:0015356.

Allele frequency attached by ClinVar (database versions not stated): gnomAD exomes below 0.00001.

Submissions (2):

Ambry Genetics
Classification: Uncertain significance for Hereditary cancer-predisposing syndrome. Last evaluated: 2023-11-22. Review status: criteria provided, single submitter. Criteria: Ambry Variant Classification Scheme 2023. Collection method: clinical testing. Allele origin: germline.
Comment: The p.L102R variant (also known as c.305T>G), located in coding exon 2 of the TMEM127 gene, results from a T to G substitution at nucleotide position 305. The leucine at codon 102 is replaced by arginine, an amino acid with dissimilar properties. This amino acid position is conserved. In addition, this alteration is predicted to be deleterious by in silico analysis. Since supporting evidence is limited at this time, the clinical significance of this alteration remains unclear.

Labcorp Genetics (formerly Invitae), Labcorp
Classification: Uncertain significance for Hereditary pheochromocytoma and paraganglioma. Last evaluated: 2022-03-16. Review status: criteria provided, single submitter. Criteria: Invitae Variant Classification Sherloc (09022015). Collection method: clinical testing. Allele origin: germline.
Comment: This variant is not present in population databases (gnomAD no frequency). This sequence change replaces leucine, which is neutral and non-polar, with arginine, which is basic and polar, at codon 102 of the TMEM127 protein (p.Leu102Arg). This variant has not been reported in the literature in individuals affected with TMEM127-related conditions. In summary, the available evidence is currently insufficient to determine the role of this variant in disease. Therefore, it has been classified as a Variant of Uncertain Significance. Algorithms developed to predict the effect of missense changes on protein structure and function (SIFT, PolyPhen-2, Align-GVGD) all suggest that this variant is likely to be disruptive.

NM_017849.4(TMEM127):c.305T>G (p.Leu102Arg)

Gene: TMEM127 (transmembrane protein 127; minus strand). Cytogenetic location: 2q11.2.
Variant type: single nucleotide variant.
Coding change: c.305T>G on transcript NM_017849.4 (MANE Select); coding-DNA position 305, T replaced by G.
Protein change: p.Leu102Arg; replaces leucine 102 with arginine.
Molecular consequence: missense variant.
Genome position (GRCh38, 1-based): chr2:96,254,937, A>C on the plus strand (T>G on the coding strand, the complement: TMEM127 is on the minus strand). VCF-style: chr2-96254937-A-C. GRCh37 (hg19) VCF-style: chr2-96920675-A-C.
Other names: c.305T>G, p.Leu102Arg (NM_001193304.3); c.53T>G, p.Leu18Arg (NM_001407282.1, NM_001407283.1); short protein forms L18R, L102R.
Identifiers: ClinVar variation 2112896 (VCV002112896.5), dbSNP rs2467266500, ClinGen allele CA347653508.